The following is an entry in ClinVar:

NM_003640.5(ELP1):c.1878C>T (p.Asp626=)

Gene: ELP1 (elongator acetyltransferase complex subunit 1; minus strand). Cytogenetic location: 9q31.3.
Variant type: single nucleotide variant.
Coding change: c.1878C>T on transcript NM_003640.5 (MANE Select); coding-DNA position 1878, C replaced by T.
Protein change: p.Asp626=; no amino-acid change (aspartic acid 626 retained).
Molecular consequence: synonymous variant.
Genome position (GRCh38, 1-based): chr9:108,901,658, G>A on the plus strand (C>T on the coding strand, the complement: ELP1 is on the minus strand). VCF-style: chr9-108901658-G-A. GRCh37 (hg19) VCF-style: chr9-111663938-G-A.
Other names: c.1878C>T (NM_003640.4, LRG_251t1); c.1536C>T, p.Asp512= (NM_001318360.2); c.831C>T, p.Asp277= (NM_001330749.2).
Identifiers: ClinVar variation 364570 (VCV000364570.19), dbSNP rs141596257, ClinGen allele CA5174858.

ClinVar aggregate classification (germline): Conflicting classifications of pathogenicity. Review status: criteria provided, conflicting classifications (1 of 4 stars). 5 submissions from 5 submitters: Uncertain significance (1); Likely benign (2). 2 of the submissions do not count toward it. Last evaluated 2026-01-31.

Conditions:
ELP1-related disorder. Also called: ELP1-related condition.
Familial dysautonomia. Also called: HSAN III; FD. Identifiers: Orphanet 1764, MedGen C0013364, MONDO:0009131, OMIM 223900. Disease mechanism: loss of function.

Allele frequency attached by ClinVar (database versions not stated): gnomAD exomes 0.00002 and 0.00014; ESP Exome Variant Server 0.00008; ExAC 0.00018; gnomAD 0.00019 and 0.00021; TOPMed 0.00019; 1000 Genomes Project 30x 0.00031.
gnomAD v4.1: 137 of 1,614,128 alleles (0.0085%); highest among the groups gnomAD compares: East Asian, 0.053%; 2 homozygotes.

Submissions (5):

Labcorp Genetics (formerly Invitae), Labcorp
Classification: Likely benign. Last evaluated: 2026-01-31. Review status: criteria provided, single submitter. Criteria: Invitae Variant Classification Sherloc (09022015). Collection method: clinical testing. Allele origin: germline.

ARUP Laboratories, Molecular Genetics and Genomics, ARUP Laboratories
Classification: Likely benign. Last evaluated: 2023-10-26. Review status: criteria provided, single submitter. Criteria: ARUP Molecular Germline Variant Investigation Process 2024. Collection method: clinical testing. Allele origin: germline.

Illumina Laboratory Services, Illumina
Classification: Uncertain significance for Familial dysautonomia. Last evaluated: 2018-01-12. Review status: criteria provided, single submitter. Criteria: ICSL Variant Classification Criteria 13 December 2019. Collection method: clinical testing. Allele origin: germline.

Natera, Inc.
Classification: Likely benign for Hereditary sensory and autonomic neuropathy type III. Last evaluated: 2020-04-14. Review status: no assertion criteria provided. Collection method: clinical testing. Allele origin: germline. Not counted in ClinVar's aggregate classification.

PreventionGenetics, part of Exact Sciences
Classification: Likely benign for ELP1-related condition. Last evaluated: 2019-11-18. Review status: no assertion criteria provided. Collection method: clinical testing. Allele origin: germline. Not counted in ClinVar's aggregate classification.
Comment: This variant is classified as likely benign based on ACMG/AMP sequence variant interpretation guidelines (Richards et al. 2015 PMID: 25741868, with internal and published modifications).